The following is an entry in ClinVar:

ClinVar aggregate classification (germline): Uncertain significance (1 of 4 stars; one submission).

Conditions:
B9D2-related disorder. Also called: B9D2-related condition.

gnomAD v4.1: 1 of 1,613,552 alleles (0.000062%); highest among the groups gnomAD compares: Non-Finnish European, 0.000085%; no homozygotes.

Submission:

PreventionGenetics, part of Exact Sciences
Classification: Uncertain significance for B9D2-related condition. Last evaluated: 2026-03-26. Review status: criteria provided, single submitter. Criteria: ACMG Guidelines, 2015. Collection method: clinical testing. Allele origin: germline.
Comment: The B9D2 c.331C>T variant is predicted to result in the amino acid substitution p.Pro111Ser. To our knowledge, this variant has not been reported in the literature. This variant is reported in 0.00091% of alleles in individuals of European (Non-Finnish) descent in gnomAD. At this time, the clinical significance of this variant is uncertain due to the absence of conclusive functional and genetic evidence.

NM_030578.4(B9D2):c.331C>T (p.Pro111Ser)

Gene: B9D2 (B9 domain containing 2; minus strand). Cytogenetic location: 19q13.2.
Variant type: single nucleotide variant.
Coding change: c.331C>T on transcript NM_030578.4 (MANE Select); coding-DNA position 331, C replaced by T.
Protein change: p.Pro111Ser; replaces proline 111 with serine.
Molecular consequence: missense variant.
Genome position (GRCh38, 1-based): chr19:41,354,897, G>A on the plus strand (C>T on the coding strand, the complement: B9D2 is on the minus strand). VCF-style: chr19-41354897-G-A. GRCh37 (hg19) VCF-style: chr19-41860802-G-A.
Other names: short protein forms P111S.
Identifiers: ClinVar variation 4987913 (VCV004987913.1).